The following is an entry in ClinVar:

NM_001378418.1(TCF20):c.3604G>A (p.Gly1202Ser)

Gene: TCF20 (transcription factor 20; minus strand). Cytogenetic location: 22q13.2.
Variant type: single nucleotide variant.
Coding change: c.3604G>A on transcript NM_001378418.1 (MANE Select); coding-DNA position 3604, G replaced by A.
Protein change: p.Gly1202Ser; replaces glycine 1202 with serine.
Molecular consequence: missense variant.
Genome position (GRCh38, 1-based): chr22:42,211,702, C>T on the plus strand (G>A on the coding strand, the complement: TCF20 is on the minus strand). VCF-style: chr22-42211702-C-T. GRCh37 (hg19) VCF-style: chr22-42607708-C-T.
Other names: c.3604G>A (NM_005650.1); c.3604G>A, p.Gly1202Ser (NM_005650.4, NM_181492.3); short protein forms G1202S.
Identifiers: ClinVar variation 2437004 (VCV002437004.7), dbSNP rs149389913, ClinGen allele CA10266800.

ClinVar aggregate classification (germline): Conflicting classifications of pathogenicity. Review status: criteria provided, conflicting classifications (1 of 4 stars). 3 submissions from 3 submitters: Uncertain significance (2); Likely benign (1). Last evaluated 2024-05-14.

Conditions:
Developmental delay with variable intellectual impairment and behavioral abnormalities. Identifiers: MedGen C5193092, MONDO:0032745, OMIM 618430.
Inborn genetic diseases. Identifiers: MedGen C0950123, MeSH D030342.

Allele frequency attached by ClinVar (database versions not stated): gnomAD 0.00003; ExAC 0.00004; gnomAD exomes 0.00007; ESP Exome Variant Server 0.00015.
gnomAD v4.1: 109 of 1,614,022 alleles (0.0068%); highest among the groups gnomAD compares: Non-Finnish European, 0.0087%; no homozygotes.

Submissions (3):

Labcorp Genetics (formerly Invitae), Labcorp
Classification: Uncertain significance. Last evaluated: 2024-05-14. Review status: criteria provided, single submitter. Criteria: Invitae Variant Classification Sherloc (09022015). Collection method: clinical testing. Allele origin: germline.
Comment: This sequence change replaces glycine, which is neutral and non-polar, with serine, which is neutral and polar, at codon 1202 of the TCF20 protein (p.Gly1202Ser). This variant is present in population databases (rs149389913, gnomAD 0.006%). This variant has not been reported in the literature in individuals affected with TCF20-related conditions. ClinVar contains an entry for this variant (Variation ID: 2437004). An algorithm developed to predict the effect of missense changes on protein structure and function (PolyPhen-2) suggests that this variant is likely to be disruptive. In summary, the available evidence is currently insufficient to determine the role of this variant in disease. Therefore, it has been classified as a Variant of Uncertain Significance.

Ambry Genetics
Classification: Likely benign for Inborn genetic diseases. Last evaluated: 2023-01-26. Review status: criteria provided, single submitter. Criteria: Ambry Variant Classification Scheme 2023. Collection method: clinical testing. Allele origin: germline.

Revvity Omics, Revvity
Classification: Uncertain significance for Developmental delay with variable intellectual impairment and behavioral abnormalities. Last evaluated: 2022-06-02. Review status: criteria provided, single submitter. Criteria: ACMG Guidelines, 2015. Collection method: clinical testing. Allele origin: germline.